The following is an entry in ClinVar:

NM_024598.4(USB1):c.188A>T (p.Asp63Val)

Gene: USB1 (U6 snRNA biogenesis phosphodiesterase 1; plus strand). Cytogenetic location: 16q21.
Variant type: single nucleotide variant.
Coding change: c.188A>T on transcript NM_024598.4 (MANE Select); coding-DNA position 188, A replaced by T.
Protein change: p.Asp63Val; replaces aspartic acid 63 with valine.
Molecular consequence: missense variant.
Genome position (GRCh38, 1-based): chr16:58,002,568, A>T. VCF-style: chr16-58002568-A-T. GRCh37 (hg19) VCF-style: chr16-58036472-A-T.
Other names: c.188A>T, p.Asp63Val (NM_001195302.2, NM_001204911.2, NM_001330569.2); c.35A>T, p.Asp12Val (NM_001330568.2); short protein forms D12V, D63V.
Identifiers: ClinVar variation 2088205 (VCV002088205.4), dbSNP rs775249170, ClinGen allele CA8084825.
Genomic context (GRCh38, chr16:58,002,568, plus strand): 5'-TTCCAGTACCTGACAGTGTGCTGAACATGTTCCCGGGCACCGAGGAGGGGCCTGAAGATG[A>T]CAGCACAAAACACGGGGGACGGGTGCGCACCTTCCCCCACGAGCGAGGCAACTGGGCCAC-3'
Protein context (NP_078874.2, residues 53-73): FPGTEEGPED[Asp63Val]STKHGGRVRT

ClinVar aggregate classification (germline): Uncertain significance (1 of 4 stars; one submission).

Allele frequency attached by ClinVar (database versions not stated): gnomAD exomes below 0.00001; ExAC 0.00001.
gnomAD v4.1: 1 of 1,614,116 alleles (0.000062%); highest among the groups gnomAD compares: Admixed American, 0.0017%; no homozygotes.

Submission:

Labcorp Genetics (formerly Invitae), Labcorp
Classification: Uncertain significance. Last evaluated: 2022-06-14. Review status: criteria provided, single submitter. Criteria: Invitae Variant Classification Sherloc (09022015). Collection method: clinical testing. Allele origin: germline.
Comment: In summary, the available evidence is currently insufficient to determine the role of this variant in disease. Therefore, it has been classified as a Variant of Uncertain Significance. Algorithms developed to predict the effect of missense changes on protein structure and function are either unavailable or do not agree on the potential impact of this missense change (SIFT: "Not Available"; PolyPhen-2: "Probably Damaging"; Align-GVGD: "Not Available"). This variant has not been reported in the literature in individuals affected with USB1-related conditions. This variant is present in population databases (rs775249170, gnomAD 0.003%). This sequence change replaces aspartic acid, which is acidic and polar, with valine, which is neutral and non-polar, at codon 63 of the USB1 protein (p.Asp63Val).